The following is an entry in ClinVar:

ClinVar aggregate classification (germline): Likely benign. Review status: criteria provided, multiple submitters, no conflicts (2 of 4 stars). 2 submissions from 2 submitters: Likely benign (2). Last evaluated 2026-01-26.

Conditions:
PCNT-related disorder. Also called: PCNT-related condition.

Allele frequency attached by ClinVar (database versions not stated): gnomAD 0.00001; gnomAD exomes 0.00001; TOPMed 0.00001.
gnomAD v4.1: 11 of 1,586,506 alleles (0.00069%); highest among the groups gnomAD compares: South Asian, 0.0023%; no homozygotes.

Submissions (2):

Labcorp Genetics (formerly Invitae), Labcorp
Classification: Likely benign. Last evaluated: 2026-01-26. Review status: criteria provided, single submitter. Criteria: Invitae Variant Classification Sherloc (09022015). Collection method: clinical testing. Allele origin: germline.

PreventionGenetics, part of Exact Sciences
Classification: Likely benign for PCNT-related condition. Last evaluated: 2025-03-14. Review status: criteria provided, single submitter. Criteria: ACMG Guidelines, 2015. Collection method: clinical testing. Allele origin: germline.
Comment: This variant is classified as likely benign based on ACMG/AMP sequence variant interpretation guidelines (Richards et al. 2015 PMID: 25741868, with internal and published modifications).

NM_006031.6(PCNT):c.4458C>T (p.Ala1486=)

Gene: PCNT (pericentrin; plus strand). Cytogenetic location: 21q22.3.
Variant type: single nucleotide variant.
Coding change: c.4458C>T on transcript NM_006031.6 (MANE Select); coding-DNA position 4458, C replaced by T.
Protein change: p.Ala1486=; no amino-acid change (alanine 1486 retained).
Molecular consequence: synonymous variant.
Genome position (GRCh38, 1-based): chr21:46,398,025, C>T. VCF-style: chr21-46398025-C-T. GRCh37 (hg19) VCF-style: chr21-47817939-C-T.
Other names: c.4458C>T (NM_006031.5); c.4104C>T, p.Ala1368= (NM_001315529.2).
Identifiers: ClinVar variation 3021994 (VCV003021994.4), dbSNP rs776189431, ClinGen allele CA10079650.